The following is an entry in ClinVar:

NM_001042492.3(NF1):c.3338T>C (p.Leu1113Pro)

Gene: NF1 (neurofibromin 1; plus strand). Cytogenetic location: 17q11.2.
Variant type: single nucleotide variant.
Coding change: c.3338T>C on transcript NM_001042492.3 (MANE Select); coding-DNA position 3338, T replaced by C.
Protein change: p.Leu1113Pro; replaces leucine 1113 with proline.
Molecular consequence: missense variant.
Genome position (GRCh38, 1-based): chr17:31,232,723, T>C. VCF-style: chr17-31232723-T-C. GRCh37 (hg19) VCF-style: chr17-29559741-T-C.
Other names: c.3338T>C, p.Leu1113Pro (NM_000267.4); short protein forms L1113P.
Identifiers: ClinVar variation 1009869 (VCV001009869.7), dbSNP rs2067134539, ClinGen allele CA398989016.

ClinVar aggregate classification (germline): Uncertain significance. Review status: criteria provided, multiple submitters, no conflicts (2 of 4 stars). 3 submissions from 3 submitters: Uncertain significance (3). Last evaluated 2026-04-01.

Conditions:
Cardiovascular phenotype. Identifiers: MedGen CN230736.
Hereditary cancer-predisposing syndrome. Also called: Hereditary neoplastic syndrome; Neoplastic Syndromes, Hereditary; Tumor predisposition; Hereditary Cancer Syndrome. Identifiers: Orphanet 140162, MedGen C0027672, MeSH D009386, MONDO:0015356.
Neurofibromatosis, type 1 (NF1). Also called: NEUROFIBROMATOSIS, TYPE I, SOMATIC; Neurofibromatosis, type I; VON RECKLINGHAUSEN DISEASE; Peripheral type neurofibromatosis. Identifiers: Orphanet 636, MedGen C0027831, MONDO:0018975, OMIM 162200. Disease mechanism: loss of function.

Submissions (3):

Ambry Genetics
Classification: Uncertain significance for Cardiovascular phenotype; Hereditary cancer-predisposing syndrome. Last evaluated: 2026-04-01. Review status: criteria provided, single submitter. Criteria: Ambry Variant Classification Scheme 2023. Collection method: clinical testing. Allele origin: germline.
Comment: The p.L1113P variant (also known as c.3338T>C), located in coding exon 26 of the NF1 gene, results from a T to C substitution at nucleotide position 3338. The leucine at codon 1113 is replaced by proline, an amino acid with similar properties. This amino acid position is highly conserved in available vertebrate species. In addition, the in silico prediction for this alteration is inconclusive. Based on the available evidence, the clinical significance of this variant remains unclear.

GeneDx
Classification: Uncertain significance. Last evaluated: 2025-01-31. Review status: criteria provided, single submitter. Criteria: GeneDx Variant Classification Process June 2021. Collection method: clinical testing. Allele origin: germline. Affected: yes.
Comment: Not observed at significant frequency in large population cohorts (gnomAD); In silico analysis supports that this missense variant has a deleterious effect on protein structure/function; Has not been previously published as pathogenic or benign to our knowledge; This variant is associated with the following publications: (PMID: 2121369, 25486365)

Labcorp Genetics (formerly Invitae), Labcorp
Classification: Uncertain significance for Neurofibromatosis, type 1. Last evaluated: 2024-04-10. Review status: criteria provided, single submitter. Criteria: Invitae Variant Classification Sherloc (09022015). Collection method: clinical testing. Allele origin: germline.
Comment: This sequence change replaces leucine, which is neutral and non-polar, with proline, which is neutral and non-polar, at codon 1113 of the NF1 protein (p.Leu1113Pro). This variant is not present in population databases (gnomAD no frequency). This variant has not been reported in the literature in individuals affected with NF1-related conditions. ClinVar contains an entry for this variant (Variation ID: 1009869). Advanced modeling of protein sequence and biophysical properties (such as structural, functional, and spatial information, amino acid conservation, physicochemical variation, residue mobility, and thermodynamic stability) performed at Invitae indicates that this missense variant is expected to disrupt NF1 protein function with a positive predictive value of 95%. In summary, the available evidence is currently insufficient to determine the role of this variant in disease. Therefore, it has been classified as a Variant of Uncertain Significance.